The following is an entry in ClinVar:

ClinVar aggregate classification (germline): Uncertain significance (1 of 4 stars; one submission).

gnomAD v4.1: 17 of 1,614,164 alleles (0.0011%); highest among the groups gnomAD compares: East Asian, 0.038%; no homozygotes.

Submission:

Labcorp Genetics (formerly Invitae), Labcorp
Classification: Uncertain significance. Last evaluated: 2023-04-11. Review status: criteria provided, single submitter. Criteria: Invitae Variant Classification Sherloc (09022015). Collection method: clinical testing. Allele origin: germline.
Comment: In summary, the available evidence is currently insufficient to determine the role of this variant in disease. Therefore, it has been classified as a Variant of Uncertain Significance. Algorithms developed to predict the effect of sequence changes on RNA splicing suggest that this variant may create or strengthen a splice site. This variant has not been reported in the literature in individuals affected with TBX4-related conditions. This variant is present in population databases (rs375043323, gnomAD 0.006%). This sequence change affects codon 152 of the TBX4 mRNA. It is a 'silent' change, meaning that it does not change the encoded amino acid sequence of the TBX4 protein.

NM_001321120.2(TBX4):c.456G>T (p.Pro152=)

Gene: TBX4 (T-box transcription factor 4; plus strand). Cytogenetic location: 17q23.2.
Variant type: single nucleotide variant.
Coding change: c.456G>T on transcript NM_001321120.2 (MANE Select); coding-DNA position 456, G replaced by T.
Protein change: p.Pro152=; no amino-acid change (proline 152 retained).
Molecular consequence: synonymous variant.
Genome position (GRCh38, 1-based): chr17:61,467,564, G>T. VCF-style: chr17-61467564-G-T. GRCh37 (hg19) VCF-style: chr17-59544925-G-T.
Other names: c.456G>T, p.Pro152= (NM_018488.3).
Identifiers: ClinVar variation 3001877 (VCV003001877.3), dbSNP rs375043323, ClinGen allele CA8689828.